The following is an entry in ClinVar:

ClinVar aggregate classification (germline): Uncertain significance (1 of 4 stars; one submission).

Submission:

Labcorp Genetics (formerly Invitae), Labcorp
Classification: Uncertain significance. Last evaluated: 2022-01-14. Review status: criteria provided, single submitter. Criteria: Invitae Variant Classification Sherloc (09022015). Collection method: clinical testing. Allele origin: germline.
Comment: This variant results in a copy number gain of the genomic region encompassing exon(s) 1-7 of the UNC80 gene. This region includes the initiator codon of the gene. This copy number gain extends beyond the assayed region for this gene and therefore may encompass additional genes. As the precise location of this event is unknown, it may be in tandem or it may be located elsewhere in the genome. This variant has not been reported in the literature in individuals affected with UNC80-related conditions. In summary, the available evidence is currently insufficient to determine the role of this variant in disease. Therefore, it has been classified as a Variant of Uncertain Significance.

NC_000002.11:g.(?_210636797)_(210658603_?)dup

Gene: UNC80 (unc-80 homolog, NALCN channel complex subunit; plus strand). Cytogenetic location: 2q34.
Variant type: Duplication.
Identifiers: ClinVar variation 1412577 (VCV001412577.4).